The following is an entry in ClinVar:

NM_002457.5(MUC2):c.11823C>A (p.Thr3941=)

Gene: MUC2 (mucin 2, oligomeric mucus/gel-forming; plus strand). Cytogenetic location: 11p15.5.
Variant type: single nucleotide variant.
Coding change: c.11823C>A on transcript NM_002457.5 (MANE Select); coding-DNA position 11823, C replaced by A.
Protein change: p.Thr3941=; no amino-acid change (threonine 3941 retained).
Molecular consequence: synonymous variant.
Genome position (GRCh38, 1-based): chr11:1,099,157, C>A. VCF-style: chr11-1099157-C-A. GRCh37 (hg19) VCF-style: chr11-1093065-C-A.
Identifiers: ClinVar variation 2641137 (VCV002641137.24), dbSNP rs780717850, ClinGen allele CA5799932.

ClinVar aggregate classification (germline): Likely benign (1 of 4 stars; one submission).

Allele frequency attached by ClinVar (database versions not stated): ExAC 0.00009.

Submission:

CeGaT Center for Human Genetics Tuebingen
Classification: Likely benign. Last evaluated: 2023-07-01. Review status: criteria provided, single submitter. Criteria: CeGaT Center For Human Genetics Tuebingen Variant Classification Criteria Version 2. Collection method: clinical testing. Allele origin: germline. Affected: yes. Observed: 2 variant alleles.
Comment: MUC2: PM2:Supporting, BP4, BP7